The following is an entry in ClinVar:

ClinVar aggregate classification (germline): Pathogenic (1 of 4 stars; one submission).

Conditions:
DICER1-related tumor predisposition. Also called: DICER1-related pleuropulmonary blastoma cancer predisposition syndrome; DICER1 syndrome. Identifiers: Orphanet 284343, MedGen C3839822, MONDO:0100216.

Submission:

Unidad de Genómica Garrahan, Hospital de Pediatría Garrahan
Classification: Pathogenic for DICER1-related tumor predisposition. Last evaluated: 2025-12-01. Review status: criteria provided, single submitter. Criteria: Hatton et al. (Hum Mutat. 2023). Collection method: clinical testing. Allele origin: germline. Affected: yes.
Comment: This sequence alteration creates a premature translational stop signal in the DICER1 gene. It is expected to result in an absent or disrupted protein product in a gene for which loss-of-function is a known mechanism of disease (PVS1_very strong). The variant is not reported in population-based cohorts in the Genome Aggregation Database (gnomAD) (PM2_Supporting). Based on the available evidence and following the ClinGen DICER1 and miRNA-Processing Gene Expert Panel Specifications to the ACMG/AMP Variant Interpretation Guidelines for DICER1 (PMID: 38084291) this alteration is classified as pathogenic.

NM_177438.3(DICER1):c.3700G>T (p.Glu1234Ter)

Gene: DICER1 (dicer 1, ribonuclease III; minus strand). Cytogenetic location: 14q32.13.
Variant type: single nucleotide variant.
Coding change: c.3700G>T on transcript NM_177438.3 (MANE Select); coding-DNA position 3700, G replaced by T.
Protein change: p.Glu1234Ter; replaces glutamic acid 1234 with a stop codon.
Molecular consequence: nonsense. On other transcripts: non-coding transcript variant (6).
Genome position (GRCh38, 1-based): chr14:95,103,696, C>A on the plus strand (G>T on the coding strand, the complement: DICER1 is on the minus strand). VCF-style: chr14-95103696-C-A. GRCh37 (hg19) VCF-style: chr14-95570033-C-A.
Other names: p.(Glu1234*); c.3700G>T, p.Glu1234Ter (NM_001195573.1, NM_001271282.3, NM_001291628.2 and 12 more transcripts); c.3418G>T, p.Glu1140Ter (NM_001395686.1); c.3295G>T, p.Glu1099Ter (NM_001395687.1, NM_001395688.1, NM_001395689.1 and 2 more transcripts); c.3133G>T, p.Glu1045Ter (NM_001395691.1); c.2017G>T, p.Glu673Ter (NM_001395697.1); short protein forms E1045*, E1099*, E1140*, E1234*, E673*.
Identifiers: ClinVar variation 4686635 (VCV004686635.1).
Genomic context (GRCh38, chr14:95,103,696, plus strand): 5'-CATCTGAGGTAGATTTGTTAGCATTTCCATCAAGGTATTTATTACTCAGGAGAGTACATT[C>A]ATCGCTGGGCTGGGGCTGGTTCTCGTAACTGTATAAATTCTGAATGGAATATGAGGTAGT-3'